The following is an entry in ClinVar:

ClinVar aggregate classification (germline): Uncertain significance. Review status: criteria provided, multiple submitters, no conflicts (2 of 4 stars). 3 submissions from 3 submitters: Uncertain significance (3). Last evaluated 2026-08-21.

Conditions:
Cardiovascular phenotype. Identifiers: MedGen CN230736.

Allele frequency attached by ClinVar (database versions not stated): gnomAD 0.00003 and 0.00002; TOPMed 0.00004; ExAC 0.00003; gnomAD exomes 0.00002; 1000 Genomes Project 30x 0.00016; 1000 Genomes Project 0.00020.
gnomAD v4.1: 84 of 1,613,754 alleles (0.0052%); highest among the groups gnomAD compares: Non-Finnish European, 0.0064%; no homozygotes.

Submissions (3):

GeneDx
Classification: Uncertain significance. Last evaluated: 2026-08-21. Review status: criteria provided, single submitter. Criteria: GeneDx Variant Classification Process June 2021. Collection method: clinical testing. Allele origin: germline.
Comment: Has not been previously published as pathogenic or benign to our knowledge; In silico analysis supports that this missense variant has a deleterious effect on protein structure/function

Labcorp Genetics (formerly Invitae), Labcorp
Classification: Uncertain significance. Last evaluated: 2025-10-23. Review status: criteria provided, single submitter. Criteria: Invitae Variant Classification Sherloc (09022015). Collection method: clinical testing. Allele origin: germline.
Comment: This sequence change replaces histidine, which is basic and polar, with arginine, which is basic and polar, at codon 735 of the ALPK3 protein (p.His735Arg). This variant is present in population databases (rs540543822, gnomAD 0.006%). This variant has not been reported in the literature in individuals affected with ALPK3-related conditions. ClinVar contains an entry for this variant (Variation ID: 1193081). Invitae Evidence Modeling of protein sequence and biophysical properties (such as structural, functional, and spatial information, amino acid conservation, physicochemical variation, residue mobility, and thermodynamic stability) indicates that this missense variant is expected to disrupt ALPK3 protein function with a positive predictive value of 80%. In summary, the available evidence is currently insufficient to determine the role of this variant in disease. Therefore, it has been classified as a Variant of Uncertain Significance.

Ambry Genetics
Classification: Uncertain significance for Cardiovascular phenotype. Last evaluated: 2025-08-25. Review status: criteria provided, single submitter. Criteria: Ambry Variant Classification Scheme 2023. Collection method: clinical testing. Allele origin: germline.
Comment: The p.H735R variant (also known as c.2204A>G), located in coding exon 5 of the ALPK3 gene, results from an A to G substitution at nucleotide position 2204. The histidine at codon 735 is replaced by arginine, an amino acid with highly similar properties. This amino acid position is well conserved in available vertebrate species. In addition, this alteration is predicted to be tolerated by in silico analysis. Since supporting evidence is limited at this time, the clinical significance of this alteration remains unclear.

NM_020778.5(ALPK3):c.1598A>G (p.His533Arg)

Genes: ALPK3 (alpha kinase 3; plus strand), LOC111718493 (skeletal muscle cis-regulatory module overlapping ALPK3; plus strand). Cytogenetic location: 15q25.3.
Variant type: single nucleotide variant.
Coding change: c.1598A>G on transcript NM_020778.5 (MANE Select); coding-DNA position 1598, A replaced by G.
Protein change: p.His533Arg; replaces histidine 533 with arginine.
Molecular consequence: missense variant.
Genome position (GRCh38, 1-based): chr15:84,840,877, A>G. VCF-style: chr15-84840877-A-G. GRCh37 (hg19) VCF-style: chr15-85384108-A-G.
Other names: short protein forms H533R.
Identifiers: ClinVar variation 1193081 (VCV001193081.15), dbSNP rs540543822, ClinGen allele CA7709231.